The following is an entry in ClinVar:

ClinVar aggregate classification (germline): Uncertain significance (1 of 4 stars; one submission).

Submission:

Labcorp Genetics (formerly Invitae), Labcorp
Classification: Uncertain significance. Last evaluated: 2022-04-22. Review status: criteria provided, single submitter. Criteria: Invitae Variant Classification Sherloc (09022015). Collection method: clinical testing. Allele origin: germline.
Comment: In summary, the available evidence is currently insufficient to determine the role of this variant in disease. Therefore, it has been classified as a Variant of Uncertain Significance. Algorithms developed to predict the effect of missense changes on protein structure and function (SIFT, PolyPhen-2, Align-GVGD) all suggest that this variant is likely to be tolerated. This variant has not been reported in the literature in individuals affected with DOCK6-related conditions. This variant is not present in population databases (gnomAD no frequency). This sequence change replaces histidine, which is basic and polar, with leucine, which is neutral and non-polar, at codon 1524 of the DOCK6 protein (p.His1524Leu).

NM_020812.4(DOCK6):c.4571A>T (p.His1524Leu)

Genes: DOCK6 (dedicator of cytokinesis 6; minus strand), DOCK6-AS1 (DOCK6 antisense RNA 1; plus strand). Cytogenetic location: 19p13.2.
Variant type: single nucleotide variant.
Coding change: c.4571A>T on transcript NM_020812.4 (MANE Select); coding-DNA position 4571, A replaced by T.
Protein change: p.His1524Leu; replaces histidine 1524 with leucine.
Molecular consequence: missense variant.
Genome position (GRCh38, 1-based): chr19:11,212,072, T>A on the plus strand (A>T on the coding strand, the complement: DOCK6 is on the minus strand). VCF-style: chr19-11212072-T-A. GRCh37 (hg19) VCF-style: chr19-11322748-T-A.
Other names: c.4676A>T, p.His1559Leu (NM_001367830.1); short protein forms H1559L, H1524L.
Identifiers: ClinVar variation 2129467 (VCV002129467.4), dbSNP rs2512982926, ClinGen allele CA404080361.
Genomic context (GRCh38, chr19:11,212,072, plus strand): 5'-TCCCGCAGCCCCATGTCCTCCTCAGCATAGGTGAGGATGGTTTTGAGTGAACGTCGCAGG[T>A]GCTCTTCACTGAAGTTCTGCGTCGTCCCCACCAGGGACGAGAGAGACATGGTGACCTGCA-3'
Protein context (NP_065863.2, residues 1514-1534): VGTTQNFSEE[His1524Leu]LRRSLKTILT